The following is an entry in ClinVar:

ClinVar aggregate classification (germline): Likely benign (1 of 4 stars; one submission).

Allele frequency attached by ClinVar (database versions not stated): ExAC 0.00011.
gnomAD v4.1: 70 of 1,540,492 alleles (0.0045%); highest among the groups gnomAD compares: South Asian, 0.011%; no homozygotes.

Submission:

CeGaT Center for Human Genetics Tuebingen
Classification: Likely benign. Last evaluated: 2022-05-01. Review status: criteria provided, single submitter. Criteria: CeGaT Center For Human Genetics Tuebingen Variant Classification Criteria Version 2. Collection method: clinical testing. Allele origin: germline. Affected: yes. Observed: 1 variant allele.
Comment: PERM1: BP4, BP7

NM_001394713.1(PERM1):c.1992C>T (p.Phe664=)

Gene: PERM1 (PPARGC1 and ESRR induced regulator, muscle 1; minus strand). Cytogenetic location: 1p36.33.
Variant type: single nucleotide variant.
Coding change: c.1992C>T on transcript NM_001394713.1 (MANE Select); coding-DNA position 1992, C replaced by T.
Protein change: p.Phe664=; no amino-acid change (phenylalanine 664 retained).
Molecular consequence: synonymous variant.
Genome position (GRCh38, 1-based): chr1:979,038, G>A on the plus strand (C>T on the coding strand, the complement: PERM1 is on the minus strand). VCF-style: chr1-979038-G-A. GRCh37 (hg19) VCF-style: chr1-914418-G-A.
Other names: c.1992C>T, p.Phe664= (NM_001291366.2, NM_001369897.1, NM_001369898.1); c.1650C>T, p.Phe550= (NM_001291367.2).
Identifiers: ClinVar variation 2637982 (VCV002637982.24), dbSNP rs773737688, ClinGen allele CA507128.